The following is an entry in ClinVar:

ClinVar aggregate classification (germline): Uncertain significance (1 of 4 stars; one submission).

Allele frequency attached by ClinVar (database versions not stated): gnomAD exomes below 0.00001; gnomAD 0.00001; TOPMed 0.00002; ESP Exome Variant Server 0.00008.
gnomAD v4.1: 5 of 1,614,012 alleles (0.00031%); highest among the groups gnomAD compares: Non-Finnish European, 0.00042%; no homozygotes.

Submission:

CeGaT Center for Human Genetics Tuebingen
Classification: Uncertain significance. Last evaluated: 2024-02-01. Review status: criteria provided, single submitter. Criteria: CeGaT Center For Human Genetics Tuebingen Variant Classification Criteria Version 2. Collection method: clinical testing. Allele origin: germline. Affected: yes. Observed: 1 variant allele.
Comment: GDF5: PM2

NM_000557.5(GDF5):c.65T>C (p.Ile22Thr)

Gene: GDF5 (growth differentiation factor 5; minus strand). Cytogenetic location: 20q11.22.
Variant type: single nucleotide variant.
Coding change: c.65T>C on transcript NM_000557.5 (MANE Select); coding-DNA position 65, T replaced by C.
Protein change: p.Ile22Thr; replaces isoleucine 22 with threonine.
Molecular consequence: missense variant.
Genome position (GRCh38, 1-based): chr20:35,437,864, A>G on the plus strand (T>C on the coding strand, the complement: GDF5 is on the minus strand). VCF-style: chr20-35437864-A-G. GRCh37 (hg19) VCF-style: chr20-34025644-A-G.
Other names: c.65T>C, p.Ile22Thr (NM_001319138.2); short protein forms I22T.
Identifiers: ClinVar variation 3027204 (VCV003027204.22), dbSNP rs376503178, ClinGen allele CA314131778.